The following is an entry in ClinVar:

ClinVar aggregate classification (germline): Pathogenic (1 of 4 stars; one submission).

Conditions:
Fabry disease. Also called: ALPHA-GALACTOSIDASE A DEFICIENCY; ANDERSON-FABRY DISEASE; CERAMIDE TRIHEXOSIDASE DEFICIENCY; GLA DEFICIENCY; HEREDITARY DYSTOPIC LIPIDOSIS; Angiokeratoma corporis diffusum. Identifiers: Orphanet 324, MedGen C0002986, MONDO:0010526, OMIM 301500, HP:0001071. Disease mechanism: Fabry disease is due to inactivating mutations in the X-linked GLA gene resulting in deficiency of the enzyme Alpha Galactosidase-A., loss of function.

Submission:

Genomenon, Inc
Classification: Pathogenic for Fabry disease. Last evaluated: 2026-09-08. Review status: criteria provided, single submitter. Criteria: Genomenon Sequence Variant Interpretation Standards - Updated. Collection method: curation. Allele origin: germline. Affected: yes.
Comment: GLA p.Leu388del (c.1163_1165del) is an in-frame deletion that results in the loss of Leucine at codon 388. This variant has been observed in at least one proband with clinical features consistent with Fabry disease (PMID:29476735;28672034). The variant was found to segregate with disease in at least one affected family (PMID:29476735;28672034). A de novo occurrence of this variant has been observed in at least one affected individual (PMID:29476735). At least one functional study has demonstrated a substantial alteration in protein function relative to the wild-type (PMID:29476735). It is absent or not present at a significant frequency in gnomAD. In conclusion, we classify GLA p.Leu388del (c.1163_1165del) as a pathogenic variant.

Literature cited by the submitters: PubMed 29476735; PubMed 28672034.

NM_000169.3(GLA):c.1160TCC[1] (p.Leu388del)

Genes: GLA (galactosidase alpha; minus strand), RPL36A-HNRNPH2 (RPL36A-HNRNPH2 readthrough; plus strand). Cytogenetic location: Xq22.1.
Variant type: Microsatellite.
Coding change: c.1160TCC[1] on transcript NM_000169.3 (MANE Select); one copy of the 3-base unit TCC starting at c.1160; the reference has two copies in a row; one copy, 3 bases deleted; also written c.1163_1165del.
Protein change: p.Leu388del; deletes leucine 388.
Molecular consequence: inframe deletion. On other transcripts: non-coding transcript variant (3), intron variant (2).
Genome position (GRCh38, 1-based): chrX:101,397,934-101,397,936, GGA deleted on the plus strand (TCC on the coding strand, the reverse complement: GLA is on the minus strand); deleting any 3 consecutive bases within chrX:101,397,934-101,397,940 gives the same sequence; the position shown is the placement nearest the transcript's 3' end. VCF-style (leftmost placement, unchanged base first): chrX-101397933-GGGA-G. GRCh37 (hg19) VCF-style: chrX-100652921-GGGA-G.
Other names: c.1283TCC[1], p.Leu429del (NM_001406747.1); c.300+2481_300+2483del (NM_001199973.2); c.177+6116_177+6118del (NM_001199974.2); c.1163_1165del (NM_000169.3); short protein forms L388del, L429del.
Identifiers: ClinVar variation 4087194 (VCV004087194.2), dbSNP rs869312235.